The following is an entry in ClinVar:

NM_001256789.3(CACNA1F):c.1276+22G>A

Gene: CACNA1F (calcium voltage-gated channel subunit alpha1 F; minus strand). Cytogenetic location: Xp11.23.
Variant type: single nucleotide variant.
Coding change: c.1276+22G>A on transcript NM_001256789.3 (MANE Select); 22 bases into the intron after coding-DNA position 1276, G replaced by A.
Molecular consequence: intron variant. On other transcripts: missense variant (2).
Genome position (GRCh38, 1-based): chrX:49,226,948, C>T on the plus strand (G>A on the coding strand, the complement: CACNA1F is on the minus strand). VCF-style: chrX-49226948-C-T. GRCh37 (hg19) VCF-style: chrX-49083410-C-T.
Other names: c.1103G>A, p.Arg368Gln (NM_001256790.3); c.1298G>A, p.Arg433Gln (NM_005183.4); c.1298G>A (NM_005183.3); short protein forms R368Q, R433Q.
Identifiers: ClinVar variation 1920930 (VCV001920930.6), dbSNP rs782399050, ClinGen allele CA10410918.
Genomic context (GRCh38, chrX:49,226,948, plus strand): 5'-AGACCACATCTAAGGCATGCAGGGAATGGGCCAGATTGGAGTTGCCTACGATGGCCCGCC[C>T]GGCCCTCTTCAGCCATAGAACCAAGGTTGTCATCGGCGGAGGGGTCCTCCATGTCCAGCT-3'

ClinVar aggregate classification (germline): Uncertain significance. Review status: criteria provided, multiple submitters, no conflicts (2 of 4 stars). 2 submissions from 2 submitters: Uncertain significance (2). Last evaluated 2026-07-29.

Conditions:
CACNA1F-related disorder. Also called: CACNA1F-related condition.

Allele frequency attached by ClinVar (database versions not stated): ExAC 0.00001; gnomAD exomes 0.00001; gnomAD 0.00002; TOPMed 0.00002.

Submissions (2):

PreventionGenetics, part of Exact Sciences
Classification: Uncertain significance for CACNA1F-related condition. Last evaluated: 2026-07-29. Review status: criteria provided, single submitter. Criteria: ACMG Guidelines, 2015. Collection method: clinical testing. Allele origin: germline.
Comment: The CACNA1F c.1298G>A variant is predicted to result in the amino acid substitution p.Arg433Gln. To our knowledge, this variant has not been reported in the literature. This variant is reported in 0.013% of alleles in individuals of East Asian descent in gnomAD. Although we suspect that this variant may be benign, at this time, the clinical significance of this variant is uncertain due to the absence of conclusive functional and genetic evidence.

Labcorp Genetics (formerly Invitae), Labcorp
Classification: Uncertain significance. Last evaluated: 2023-05-01. Review status: criteria provided, single submitter. Criteria: Invitae Variant Classification Sherloc (09022015). Collection method: clinical testing. Allele origin: germline.
Comment: This sequence change replaces arginine, which is basic and polar, with glutamine, which is neutral and polar, at codon 433 of the CACNA1F protein (p.Arg433Gln). The frequency data for this variant in the population databases is considered unreliable, as metrics indicate poor data quality at this position in the gnomAD database. This variant has not been reported in the literature in individuals affected with CACNA1F-related conditions. ClinVar contains an entry for this variant (Variation ID: 1920930). An algorithm developed to predict the effect of missense changes on protein structure and function (PolyPhen-2) suggests that this variant is likely to be tolerated. In summary, the available evidence is currently insufficient to determine the role of this variant in disease. Therefore, it has been classified as a Variant of Uncertain Significance.